The following is an entry in ClinVar:

ClinVar aggregate classification (germline): Conflicting classifications of pathogenicity. Review status: criteria provided, conflicting classifications (1 of 4 stars). 2 submissions from 2 submitters: Uncertain significance (1); Likely benign (1). Last evaluated 2026-01-07.

Allele frequency attached by ClinVar (database versions not stated): TOPMed below 0.00001.
gnomAD v4.1: 1 of 1,539,002 alleles (0.000065%); highest among the groups gnomAD compares: Non-Finnish European, 0.000087%; no homozygotes.

Submissions (2):

Women's Health and Genetics/Laboratory Corporation of America, LabCorp
Classification: Uncertain significance. Last evaluated: 2026-01-07. Review status: criteria provided, single submitter. Criteria: LabCorp Variant Classification Summary - May 2015. Collection method: clinical testing. Allele origin: germline.
Comment: Variant summary: ARID1B c.688G>A (p.Ala230Thr) results in a non-conservative amino acid change in the encoded protein sequence. Algorithms developed to predict the effect of missense changes on protein structure and function are either unavailable or do not agree on the potential impact of this missense change. The variant was absent in 131142 control chromosomes. The available data on variant occurrences in the general population are insufficient to allow any conclusion about variant significance. To our knowledge, no occurrence of c.688G>A in individuals affected with ARID1B-related conditions and no experimental evidence demonstrating its impact on protein function have been reported. ClinVar contains an entry for this variant (Variation ID: 1328745). Based on the evidence outlined above, the variant was classified as uncertain significance.

GeneDx
Classification: Likely benign. Last evaluated: 2021-06-21. Review status: criteria provided, single submitter. Criteria: GeneDx Variant Classification Process June 2021. Collection method: clinical testing. Allele origin: germline. Affected: yes.
Comment: Not observed at significant frequency in large population cohorts (Lek et al., 2016); In silico analysis supports that this missense variant does not alter protein structure/function; Has not been previously published as pathogenic or benign to our knowledge; This variant is associated with the following publications: (PMID: 27535533)

NM_001374828.1(ARID1B):c.688G>A (p.Ala230Thr)

Genes: ARID1B (AT-rich interaction domain 1B; plus strand), LOC115308161 (uncharacterized LOC115308161; minus strand). Cytogenetic location: 6q25.3.
Variant type: single nucleotide variant.
Coding change: c.688G>A on transcript NM_001374828.1 (MANE Select); coding-DNA position 688, G replaced by A.
Protein change: p.Ala230Thr; replaces alanine 230 with threonine.
Molecular consequence: missense variant. On other transcripts: non-coding transcript variant (1).
Genome position (GRCh38, 1-based): chr6:156,778,368, G>A. VCF-style: chr6-156778368-G-A. GRCh37 (hg19) VCF-style: chr6-157099502-G-A.
Other names: c.439G>A (NM_020732.3); c.688G>A, p.Ala230Thr (NM_001371656.1, NM_001374820.1, NM_017519.3); short protein forms A230T.
Identifiers: ClinVar variation 1328745 (VCV001328745.3), dbSNP rs1256347904, ClinGen allele CA366381887.